The following is an entry in ClinVar:

ClinVar aggregate classification (germline): Uncertain significance (1 of 4 stars; one submission).

Submission:

Labcorp Genetics (formerly Invitae), Labcorp
Classification: Uncertain significance. Last evaluated: 2022-04-29. Review status: criteria provided, single submitter. Criteria: Invitae Variant Classification Sherloc (09022015). Collection method: clinical testing. Allele origin: germline.
Comment: In summary, the available evidence is currently insufficient to determine the role of this variant in disease. Therefore, it has been classified as a Variant of Uncertain Significance. Algorithms developed to predict the effect of missense changes on protein structure and function are either unavailable or do not agree on the potential impact of this missense change (SIFT: "Deleterious"; PolyPhen-2: "Probably Damaging"; Align-GVGD: "Class C0"). This variant is not present in population databases (gnomAD no frequency). This variant has not been reported in the literature in individuals affected with LAMC3-related conditions. This sequence change replaces histidine, which is basic and polar, with arginine, which is basic and polar, at codon 420 of the LAMC3 protein (p.His420Arg).

NM_006059.4(LAMC3):c.1259A>G (p.His420Arg)

Gene: LAMC3 (laminin subunit gamma 3; plus strand). Cytogenetic location: 9q34.12.
Variant type: single nucleotide variant.
Coding change: c.1259A>G on transcript NM_006059.4 (MANE Select); coding-DNA position 1259, A replaced by G.
Protein change: p.His420Arg; replaces histidine 420 with arginine.
Molecular consequence: missense variant.
Genome position (GRCh38, 1-based): chr9:131,039,224, A>G. VCF-style: chr9-131039224-A-G. GRCh37 (hg19) VCF-style: chr9-133914611-A-G.
Other names: short protein forms H420R.
Identifiers: ClinVar variation 2131973 (VCV002131973.4), dbSNP rs2490716685, ClinGen allele CA375259911.